The following is an entry in ClinVar:

ClinVar aggregate classification (germline): Pathogenic (1 of 4 stars; one submission).

Conditions:
Alagille syndrome due to a JAG1 point mutation. Also called: HEPATIC DUCTULAR HYPOPLASIA, SYNDROMATIC; JAG1-Related Alagille Syndrome; Alagille Syndrome 1. Identifiers: Orphanet 261619, Orphanet 52, MedGen C1956125, MONDO:0016862, OMIM 118450.

Submission:

Labcorp Genetics (formerly Invitae), Labcorp
Classification: Pathogenic for Alagille syndrome due to a JAG1 point mutation. Last evaluated: 2019-11-18. Review status: criteria provided, single submitter. Criteria: Invitae Variant Classification Sherloc (09022015). Collection method: clinical testing. Allele origin: germline.
Comment: This variant has not been reported in the literature in individuals with JAG1-related conditions. This sequence change creates a premature translational stop signal (p.Cys534Serfs*30) in the JAG1 gene. It is expected to result in an absent or disrupted protein product. This variant is not present in population databases (ExAC no frequency). Loss-of-function variants in JAG1 are known to be pathogenic (PMID: 11180599). For these reasons, this variant has been classified as Pathogenic.

Literature cited by the submitters: PubMed 11180599.

NM_000214.3(JAG1):c.1601del (p.Cys534fs)

Gene: JAG1 (jagged canonical Notch ligand 1; minus strand). Cytogenetic location: 20p12.2.
Variant type: Deletion.
Coding change: c.1601del on transcript NM_000214.3 (MANE Select); coding-DNA position 1601, one base deleted (G; older notation c.1601delG).
Protein change: p.Cys534fs; shifts the reading frame from cysteine 534.
Molecular consequence: frameshift variant.
Genome position (GRCh38, 1-based): chr20:10,648,079, C deleted on the plus strand (G on the coding strand, the reverse complement: JAG1 is on the minus strand). VCF-style (leftmost placement, unchanged base first): chr20-10648078-GC-G. GRCh37 (hg19) VCF-style: chr20-10628726-GC-G.
Other names: short protein forms C534fs.
Identifiers: ClinVar variation 855856 (VCV000855856.7), dbSNP rs2067321711, ClinGen allele CA916083747.